The following is an entry in ClinVar:

ClinVar aggregate classification (germline): Likely pathogenic (1 of 4 stars; one submission).

Submission:

CeGaT Center for Human Genetics Tuebingen
Classification: Likely pathogenic. Last evaluated: 2026-01-01. Review status: criteria provided, single submitter. Criteria: CeGaT Center For Human Genetics Tuebingen Variant Classification Criteria Version 2. Collection method: clinical testing. Allele origin: germline. Affected: yes. Observed: 1 variant allele.
Comment: AVP: PP1:Strong, PM2, PVS1:Supporting

NM_000490.5(AVP):c.-33_4del (p.Met1fs)

Gene: AVP (arginine vasopressin; minus strand). Cytogenetic location: 20p13.
Variant type: Deletion.
Coding change: c.-33_4del on transcript NM_000490.5 (MANE Select); 33 bases upstream of the start codon through coding-DNA position 4, 37 bases deleted.
Protein change: p.Met1fs; shifts the reading frame from methionine 1.
Molecular consequence: frameshift variant, initiator codon variant.
Genome position (GRCh38, 1-based): chr20:3,084,671-3,084,707, 37 bases deleted. GRCh37 (hg19): chr20:3,065,317-3,065,353.
Other names: short protein forms M1fs.
Identifiers: ClinVar variation 4822915 (VCV004822915.4).
Genomic context (GRCh38, chr20:3,084,670, plus strand): 5'-AAGTAGCACGCGGAGGAGAAGGCCAGTAGGCCGAGGAAGCAGGCGGGCAGCATGGTGTCA[GGCATCCTGGTGCACACAGGTGGACCCCGTATGCAGCA>G]CTGCTTGGTGGCTCTGTGCTGCTGCCTCTGCTGGCTGCCTATTTATGTCCGCAGGTGTTC-3'